The following is an entry in ClinVar:

NM_001103.4(ACTN2):c.1046A>G (p.Gln349Arg)

Gene: ACTN2 (actinin alpha 2; plus strand). Cytogenetic location: 1q43.
Variant type: single nucleotide variant.
Coding change: c.1046A>G on transcript NM_001103.4 (MANE Select); coding-DNA position 1046, A replaced by G.
Protein change: p.Gln349Arg; replaces glutamine 349 with arginine.
Molecular consequence: missense variant.
Genome position (GRCh38, 1-based): chr1:236,739,471, A>G. VCF-style: chr1-236739471-A-G. GRCh37 (hg19) VCF-style: chr1-236902771-A-G.
Other names: c.1046A>G, p.Gln349Arg (NM_001278343.2); c.422A>G, p.Gln141Arg (NM_001278344.2); c.296A>G, p.Gln99Arg (NM_001412150.1); short protein forms Q141R, Q349R, Q99R.
Identifiers: ClinVar variation 1805465 (VCV001805465.1), dbSNP rs376335356, ClinGen allele CA345380722.

ClinVar aggregate classification (germline): Uncertain significance (1 of 4 stars; one submission).

Conditions:
Dilated cardiomyopathy 1AA (CMD1AA). Also called: CARDIOMYOPATHY, DILATED, 1AA, WITH OR WITHOUT LEFT VENTRICULAR NONCOMPACTION; CARDIOMYOPATHY, FAMILIAL HYPERTROPHIC, 23, WITH OR WITHOUT LEFT VENTRICULAR NONCOMPACTION; Cardiomyopathy, dilated, 1AA, with or without LVNC. Identifiers: Orphanet 154, MedGen C2677338, MONDO:0012808, OMIM 612158.

Submission:

Victorian Clinical Genetics Services, Murdoch Childrens Research Institute
Classification: Uncertain significance for Dilated cardiomyopathy 1AA. Last evaluated: 2022-03-31. Review status: criteria provided, single submitter. Criteria: ACMG Guidelines, 2015. Collection method: clinical testing. Allele origin: germline. Inheritance: Autosomal dominant inheritance. Affected: yes.
Comment: Based on the classification scheme VCGS_Germline_v1.3.4, this variant is classified as VUS-3B. Following criteria are met: 0105 - The mechanism of disease for this gene is not clearly established. However, loss of function and dominant negative are likely mechanisms of disease (PMID: 27287556, 34802252). (I) 0107 - This gene is associated with autosomal dominant disease. (I) 0200 - Variant is predicted to result in a missense amino acid change from glutamine to arginine. (I) 0251 - This variant is heterozygous. (I) 0301 - Variant is absent from gnomAD (both v2 and v3). (SP) 0309 - An alternative amino acid change at the same position has been observed in gnomAD (v2, v3) (3 heterozygotes, 0 homozygotes). (I) 0502 - Missense variant with conflicting in silico predictions and uninformative conservation. (I) 0600 - Variant is located in the annotated spectrin repeat domain (DECIPHER). (I) 0710 - Another missense variant comparable to the one identified in this case has inconclusive previous evidence for pathogenicity. This alternative change (p.(Gln349Leu)) has been reported as a VUS, and observed in an individual with dilated cardiomyopathy who had an additional variant in the CSRP3 gene (ClinVar, PMID: 24082139). (I) 0807 - This variant has no previous evidence of pathogenicity. (I) 0905 - No published segregation evidence has been identified for this variant. (I) 1007 - No published functional evidence has been identified for this variant. (I) 1208 - Inheritance information for this variant is not currently available in this individual. (I) Legend: (SP) - Supporting pathogenic, (I) - Information, (SB) - Supporting benign

Literature cited by the submitters: PubMed 24082139; PubMed 27287556; PubMed 34802252.